The following is an entry in ClinVar:

ClinVar aggregate classification (germline): Uncertain significance. Review status: criteria provided, multiple submitters, no conflicts (2 of 4 stars). 3 submissions from 3 submitters: Uncertain significance (3). Last evaluated 2026-05-28.

Conditions:
Inborn genetic diseases. Identifiers: MedGen C0950123, MeSH D030342.
SNRNP200-related disorder. Also called: SNRNP200-related condition.

Allele frequency attached by ClinVar (database versions not stated): ExAC 0.00001; gnomAD exomes 0.00001; TOPMed 0.00001; gnomAD 0.00002 and 0.00003; 1000 Genomes Project 30x 0.00016.
gnomAD v4.1: 17 of 1,609,218 alleles (0.0011%); highest among the groups gnomAD compares: African/African-American, 0.004%; no homozygotes.

Submissions (3):

PreventionGenetics, part of Exact Sciences
Classification: Uncertain significance for SNRNP200-related condition. Last evaluated: 2026-05-28. Review status: criteria provided, single submitter. Criteria: ACMG Guidelines, 2015. Collection method: clinical testing. Allele origin: germline.
Comment: The SNRNP200 c.5023G>A variant is predicted to result in the amino acid substitution p.Ala1675Thr. To our knowledge, this variant has not been reported in the literature. This variant is reported in 0.0018% of alleles in individuals of European (Non-Finnish) descent in gnomAD. At this time, the clinical significance of this variant is uncertain due to the absence of conclusive functional and genetic evidence.

Ambry Genetics
Classification: Uncertain significance for Inborn genetic diseases. Last evaluated: 2025-02-01. Review status: criteria provided, single submitter. Criteria: Ambry Variant Classification Scheme 2023. Collection method: clinical testing. Allele origin: germline.

Labcorp Genetics (formerly Invitae), Labcorp
Classification: Uncertain significance. Last evaluated: 2024-10-25. Review status: criteria provided, single submitter. Criteria: Invitae Variant Classification Sherloc (09022015). Collection method: clinical testing. Allele origin: germline.
Comment: This sequence change replaces alanine, which is neutral and non-polar, with threonine, which is neutral and polar, at codon 1675 of the SNRNP200 protein (p.Ala1675Thr). This variant is present in population databases (rs765293971, gnomAD 0.002%). This variant has not been reported in the literature in individuals affected with SNRNP200-related conditions. ClinVar contains an entry for this variant (Variation ID: 1494947). Invitae Evidence Modeling of protein sequence and biophysical properties (such as structural, functional, and spatial information, amino acid conservation, physicochemical variation, residue mobility, and thermodynamic stability) indicates that this missense variant is not expected to disrupt SNRNP200 protein function with a negative predictive value of 95%. In summary, the available evidence is currently insufficient to determine the role of this variant in disease. Therefore, it has been classified as a Variant of Uncertain Significance.

NM_014014.5(SNRNP200):c.5023G>A (p.Ala1675Thr)

Gene: SNRNP200 (small nuclear ribonucleoprotein U5 subunit 200; minus strand). Cytogenetic location: 2q11.2.
Variant type: single nucleotide variant.
Coding change: c.5023G>A on transcript NM_014014.5 (MANE Select); coding-DNA position 5023, G replaced by A.
Protein change: p.Ala1675Thr; replaces alanine 1675 with threonine.
Molecular consequence: missense variant.
Genome position (GRCh38, 1-based): chr2:96,281,815, C>T on the plus strand (G>A on the coding strand, the complement: SNRNP200 is on the minus strand). VCF-style: chr2-96281815-C-T. GRCh37 (hg19) VCF-style: chr2-96947553-C-T.
Other names: c.5023G>A (NM_014014.4); short protein forms A1675T.
Identifiers: ClinVar variation 1494947 (VCV001494947.10), dbSNP rs765293971, ClinGen allele CA1778061.